The following is an entry in ClinVar:

ClinVar aggregate classification (germline): Uncertain significance (1 of 4 stars; one submission).

Allele frequency attached by ClinVar (database versions not stated): gnomAD exomes 0.00001 and 0.00002; ExAC 0.00003; gnomAD 0.00005; TOPMed 0.00005; ESP Exome Variant Server 0.00008; 1000 Genomes Project 0.00020.
gnomAD v4.1: 26 of 1,614,094 alleles (0.0016%); highest among the groups gnomAD compares: African/African-American, 0.02%; no homozygotes.

Submission:

Labcorp Genetics (formerly Invitae), Labcorp
Classification: Uncertain significance. Last evaluated: 2025-05-05. Review status: criteria provided, single submitter. Criteria: Invitae Variant Classification Sherloc (09022015). Collection method: clinical testing. Allele origin: germline.
Comment: This sequence change replaces threonine, which is neutral and polar, with methionine, which is neutral and non-polar, at codon 81 of the SIAE protein (p.Thr81Met). This variant is present in population databases (rs372477473, gnomAD 0.02%). This variant has not been reported in the literature in individuals affected with SIAE-related conditions. ClinVar contains an entry for this variant (Variation ID: 1364798). An algorithm developed to predict the effect of missense changes on protein structure and function (PolyPhen-2) suggests that this variant is likely to be tolerated. In summary, the available evidence is currently insufficient to determine the role of this variant in disease. Therefore, it has been classified as a Variant of Uncertain Significance.

NM_170601.5(SIAE):c.242C>T (p.Thr81Met)

Gene: SIAE (sialic acid acetylesterase; minus strand). Cytogenetic location: 11q24.2.
Variant type: single nucleotide variant.
Coding change: c.242C>T on transcript NM_170601.5 (MANE Select); coding-DNA position 242, C replaced by T.
Protein change: p.Thr81Met; replaces threonine 81 with methionine.
Molecular consequence: missense variant.
Genome position (GRCh38, 1-based): chr11:124,660,791, G>A on the plus strand (C>T on the coding strand, the complement: SIAE is on the minus strand). VCF-style: chr11-124660791-G-A. GRCh37 (hg19) VCF-style: chr11-124530687-G-A.
Other names: c.137C>T, p.Thr46Met (NM_001199922.2); short protein forms T81M, T46M.
Identifiers: ClinVar variation 1364798 (VCV001364798.6), dbSNP rs372477473, ClinGen allele CA6341603.